The following is an entry in ClinVar:

NM_007194.4(CHEK2):c.366A>C (p.Glu122Asp)

Gene: CHEK2 (checkpoint kinase 2; minus strand). Cytogenetic location: 22q12.1.
Variant type: single nucleotide variant.
Coding change: c.366A>C on transcript NM_007194.4 (MANE Select); coding-DNA position 366, A replaced by C.
Protein change: p.Glu122Asp; replaces glutamic acid 122 with aspartic acid.
Molecular consequence: missense variant.
Genome position (GRCh38, 1-based): chr22:28,725,321, T>G on the plus strand (A>C on the coding strand, the complement: CHEK2 is on the minus strand). VCF-style: chr22-28725321-T-G. GRCh37 (hg19) VCF-style: chr22-29121309-T-G.
Other names: c.495A>C, p.Glu165Asp (NM_001005735.3); c.-412A>C (NM_001257387.3); c.366A>C, p.Glu122Asp (NM_001349956.3, NM_145862.3); short protein forms E122D, E165D.
Identifiers: ClinVar variation 1733749 (VCV001733749.2), dbSNP rs1331351515, ClinGen allele CA411108132.

ClinVar aggregate classification (germline): Uncertain significance (1 of 4 stars; one submission).

Conditions:
Hereditary cancer-predisposing syndrome. Also called: Neoplastic Syndromes, Hereditary; Tumor predisposition; Hereditary Cancer Syndrome; Hereditary neoplastic syndrome. Identifiers: Orphanet 140162, MedGen C0027672, MeSH D009386, MONDO:0015356.

gnomAD v4.1: 1 of 1,614,050 alleles (0.000062%); no homozygotes.

Submission:

Ambry Genetics
Classification: Uncertain significance for Hereditary cancer-predisposing syndrome. Last evaluated: 2022-07-13. Review status: criteria provided, single submitter. Criteria: Ambry Variant Classification Scheme 2023. Collection method: clinical testing. Allele origin: germline.
Comment: The p.E122D variant (also known as c.366A>C), located in coding exon 2 of the CHEK2 gene, results from an A to C substitution at nucleotide position 366. The glutamic acid at codon 122 is replaced by aspartic acid, an amino acid with highly similar properties. This amino acid position is conserved. In addition, this alteration is predicted to be tolerated by in silico analysis. Since supporting evidence is limited at this time, the clinical significance of this alteration remains unclear.